The following is an entry in ClinVar:

NM_000061.3(BTK):c.982C>T (p.Gln328Ter)

Gene: BTK (Bruton tyrosine kinase; minus strand). Cytogenetic location: Xq22.1.
Variant type: single nucleotide variant.
Coding change: c.982C>T on transcript NM_000061.3 (MANE Select); coding-DNA position 982, C replaced by T.
Protein change: p.Gln328Ter; replaces glutamine 328 with a stop codon.
Molecular consequence: nonsense.
Genome position (GRCh38, 1-based): chrX:101,358,430, G>A on the plus strand (C>T on the coding strand, the complement: BTK is on the minus strand). VCF-style: chrX-101358430-G-A. GRCh37 (hg19) VCF-style: chrX-100613418-G-A.
Other names: c.1084C>T, p.Gln362Ter (NM_001287344.2); c.982C>T, p.Gln328Ter (NM_001287345.2); short protein forms Q328*, Q362*.
Identifiers: ClinVar variation 5000068 (VCV005000068.1).

ClinVar aggregate classification (germline): Pathogenic (1 of 4 stars; one submission).

Conditions:
BTK-related disorder. Also called: BTK-related condition.

Submission:

PreventionGenetics, part of Exact Sciences
Classification: Pathogenic for BTK-related condition. Last evaluated: 2025-01-30. Review status: criteria provided, single submitter. Criteria: ACMG Guidelines, 2015. Collection method: clinical testing. Allele origin: germline.
Comment: The BTK c.982C>T variant is predicted to result in premature protein termination (p.Gln328*). This variant has been reported in individuals with X-linked agammaglobulinemia or BTK-related disorder (Vorechovsky et al. 1997. PubMed ID: 9143921; Al-Herz et al. 2019. PubMed ID: 30697212). This variant has not been reported in a large population database (gnomAD), indicating this variant is rare. Nonsense variants in BTK are expected to be pathogenic. This variant is interpreted as pathogenic.